The following is an entry in ClinVar:

ClinVar aggregate classification (germline): Uncertain significance (1 of 4 stars; one submission).

Conditions:
Autosomal recessive limb-girdle muscular dystrophy type 2E (LGMDR4). Also called: MUSCULAR DYSTROPHY, LIMB-GIRDLE, AUTOSOMAL RECESSIVE 4. Identifiers: Orphanet 119, MedGen C1858593, MONDO:0011423, OMIM 604286. Disease mechanism: Affects gamma-sarcoglycan and also disrupts the integrity of the entire sarcoglycan complex..

Allele frequency attached by ClinVar (database versions not stated): gnomAD exomes below 0.00001.
gnomAD v4.1: 1 of 1,614,048 alleles (0.000062%); highest among the groups gnomAD compares: Middle Eastern, 0.016%; no homozygotes.

Submission:

Labcorp Genetics (formerly Invitae), Labcorp
Classification: Uncertain significance for Autosomal recessive limb-girdle muscular dystrophy type 2E. Last evaluated: 2021-08-24. Review status: criteria provided, single submitter. Criteria: Invitae Variant Classification Sherloc (09022015). Collection method: clinical testing. Allele origin: germline.
Comment: This sequence change replaces lysine with glutamic acid at codon 159 of the SGCB protein (p.Lys159Glu). The lysine residue is highly conserved and there is a small physicochemical difference between lysine and glutamic acid. This variant is not present in population databases (ExAC no frequency). This variant has not been reported in the literature in individuals affected with SGCB-related conditions. Algorithms developed to predict the effect of missense changes on protein structure and function (SIFT, PolyPhen-2, Align-GVGD) all suggest that this variant is likely to be tolerated. In summary, the available evidence is currently insufficient to determine the role of this variant in disease. Therefore, it has been classified as a Variant of Uncertain Significance.

NM_000232.5(SGCB):c.475A>G (p.Lys159Glu)

Gene: SGCB (sarcoglycan beta; minus strand). Cytogenetic location: 4q12.
Variant type: single nucleotide variant.
Coding change: c.475A>G on transcript NM_000232.5 (MANE Select); coding-DNA position 475, A replaced by G.
Protein change: p.Lys159Glu; replaces lysine 159 with glutamic acid.
Molecular consequence: missense variant.
Genome position (GRCh38, 1-based): chr4:52,028,876, T>C on the plus strand (A>G on the coding strand, the complement: SGCB is on the minus strand). VCF-style: chr4-52028876-T-C. GRCh37 (hg19) VCF-style: chr4-52895042-T-C.
Other names: short protein forms K159E.
Identifiers: ClinVar variation 1379487 (VCV001379487.5), dbSNP rs2109371081, ClinGen allele CA356877007.
Genomic context (GRCh38, chr4:52,028,876, plus strand): 5'-AGATATTTTGAGTCCTCGGGTCAAAAAACTGCATGCCGATGTCACTTGTAATAGAAGTTT[T>C]GTTGTTTTCTACACTGAGCTTTGTTGTCCCTTGCTGAAAAACAATCTTCAAAAAAAACAG-3'
Protein context (NP_000223.1, residues 149-169): GTTKLSVENN[Lys159Glu]TSITSDIGMQ